The following is an entry in ClinVar:

ClinVar aggregate classification (germline): Uncertain significance (0 of 4 stars; one submission).

Conditions:
TDRD6-related disorder. Also called: TDRD6-related condition.

Submission:

PreventionGenetics, part of Exact Sciences
Classification: Uncertain significance for TDRD6-related condition. Last evaluated: 2024-07-30. Review status: no assertion criteria provided. Collection method: clinical testing. Allele origin: germline.
Comment: The TDRD6 c.254G>A variant is predicted to result in the amino acid substitution p.Arg85His. To our knowledge, this variant has not been reported in the literature or in a large population database, indicating this variant is rare. At this time, the clinical significance of this variant is uncertain due to the absence of conclusive functional and genetic evidence.

NM_001010870.3(TDRD6):c.254G>A (p.Arg85His)

Gene: TDRD6 (tudor domain containing 6; plus strand). Cytogenetic location: 6p12.3.
Variant type: single nucleotide variant.
Coding change: c.254G>A on transcript NM_001010870.3 (MANE Select); coding-DNA position 254, G replaced by A.
Protein change: p.Arg85His; replaces arginine 85 with histidine.
Molecular consequence: missense variant.
Genome position (GRCh38, 1-based): chr6:46,688,382, G>A. VCF-style: chr6-46688382-G-A. GRCh37 (hg19) VCF-style: chr6-46656119-G-A.
Other names: c.254G>A, p.Arg85His (NM_001168359.2); short protein forms R85H.
Identifiers: ClinVar variation 3344102 (VCV003344102.1).
Genomic context (GRCh38, chr6:46,688,382, plus strand): 5'-CCTCGGCCTCGCCCGGCGAGCTGTGCCTGGTGCAGGTCGGGCTTTTGTGGCACCGCTGCC[G>A]CGTGGTCAGCCGGCAGGCACAGGAGAGCCGTGTCTTCCTGCTGGACGAGGGCCGCACCAT-3'
Protein context (NP_001010870.1, residues 75-95): VQVGLLWHRC[Arg85His]VVSRQAQESR